The following is an entry in ClinVar:

ClinVar aggregate classification (germline): Uncertain significance (1 of 4 stars; one submission).

Submission:

Labcorp Genetics (formerly Invitae), Labcorp
Classification: Uncertain significance. Last evaluated: 2023-11-28. Review status: criteria provided, single submitter. Criteria: Invitae Variant Classification Sherloc (09022015). Collection method: clinical testing. Allele origin: germline.
Comment: This sequence change replaces methionine, which is neutral and non-polar, with valine, which is neutral and non-polar, at codon 1563 of the PCLO protein (p.Met1563Val). This variant is not present in population databases (gnomAD no frequency). This variant has not been reported in the literature in individuals affected with PCLO-related conditions. ClinVar contains an entry for this variant (Variation ID: 2096584). Experimental studies and prediction algorithms are not available or were not evaluated, and the functional significance of this variant is currently unknown. In summary, the available evidence is currently insufficient to determine the role of this variant in disease. Therefore, it has been classified as a Variant of Uncertain Significance.

NM_033026.6(PCLO):c.4687A>G (p.Met1563Val)

Gene: PCLO (piccolo presynaptic cytomatrix protein; minus strand). Cytogenetic location: 7q21.11.
Variant type: single nucleotide variant.
Coding change: c.4687A>G on transcript NM_033026.6 (MANE Select); coding-DNA position 4687, A replaced by G.
Protein change: p.Met1563Val; replaces methionine 1563 with valine.
Molecular consequence: missense variant.
Genome position (GRCh38, 1-based): chr7:82,956,266, T>C on the plus strand (A>G on the coding strand, the complement: PCLO is on the minus strand). VCF-style: chr7-82956266-T-C. GRCh37 (hg19) VCF-style: chr7-82585582-T-C.
Other names: c.4687A>G, p.Met1563Val (NM_014510.3); short protein forms M1563V.
Identifiers: ClinVar variation 2096584 (VCV002096584.4), dbSNP rs2535710698, ClinGen allele CA367926214.
Genomic context (GRCh38, chr7:82,956,266, plus strand): 5'-TGAGCTGGTTTCTGATGAACTCATCATCTTCAGAACCTGAAGCATCTTCATCAGCACTCA[T>C]TTCTATGATTTGTTTTCGAATGAAGTCCTCCTCTTCCCCTGATCCTTGGCTGTCTTCCTG-3'
Protein context (NP_149015.2, residues 1553-1573): EDFIRKQIIE[Met1563Val]SADEDASGSE